The following is an entry in ClinVar:

NM_001082486.2(ACD):c.910G>A (p.Ala304Thr)

Gene: ACD (ACD shelterin complex subunit and telomerase recruitment factor; minus strand). Cytogenetic location: 16q22.1.
Variant type: single nucleotide variant.
Coding change: c.910G>A on transcript NM_001082486.2 (MANE Select); coding-DNA position 910, G replaced by A.
Protein change: p.Ala304Thr; replaces alanine 304 with threonine.
Molecular consequence: missense variant.
Genome position (GRCh38, 1-based): chr16:67,658,282, C>T on the plus strand (G>A on the coding strand, the complement: ACD is on the minus strand). VCF-style: chr16-67658282-C-T. GRCh37 (hg19) VCF-style: chr16-67692185-C-T.
Other names: c.823G>A, p.Ala275Thr (NM_001410884.1); c.901G>A, p.Ala301Thr (NM_022914.3); short protein forms A275T, A301T, A304T.
Identifiers: ClinVar variation 1738782 (VCV001738782.2), dbSNP rs2142968532, ClinGen allele CA396352816.

ClinVar aggregate classification (germline): Uncertain significance (1 of 4 stars; one submission).

Conditions:
Inborn genetic diseases. Identifiers: MedGen C0950123, MeSH D030342.

Allele frequency attached by ClinVar (database versions not stated): gnomAD exomes below 0.00001.

Submission:

Ambry Genetics
Classification: Uncertain significance for Inborn genetic diseases. Last evaluated: 2022-08-22. Review status: criteria provided, single submitter. Criteria: Ambry Variant Classification Scheme 2023. Collection method: clinical testing. Allele origin: germline.
Comment: The p.A390T variant (also known as c.1168G>A), located in coding exon 10 of the ACD gene, results from a G to A substitution at nucleotide position 1168. The alanine at codon 390 is replaced by threonine, an amino acid with similar properties. This amino acid position is conserved. In addition, this alteration is predicted to be tolerated by in silico analysis. Since supporting evidence is limited at this time, the clinical significance of this alteration remains unclear.